The following is an entry in ClinVar:

ClinVar aggregate classification (germline): Pathogenic (1 of 4 stars; one submission).

Conditions:
Inborn genetic diseases. Identifiers: MedGen C0950123, MeSH D030342.

Submission:

Ambry Genetics
Classification: Pathogenic for Inborn genetic diseases. Last evaluated: 2024-04-11. Review status: criteria provided, single submitter. Criteria: Ambry Variant Classification Scheme 2023. Collection method: clinical testing. Allele origin: germline.
Comment: The c.1330C>T (p.Q444*) alteration, located in exon 15 (coding exon 15) of the CUX1 gene, consists of a C to T substitution at nucleotide position 1330. This changes the amino acid from a glutamine (Q) to a stop codon at amino acid position 444. This alteration is expected to result in loss of function by premature protein truncation or nonsense-mediated mRNA decay. This variant was not reported in population-based cohorts in the Genome Aggregation Database (gnomAD). Based on the available evidence, this alteration is classified as pathogenic.

NM_181552.4(CUX1):c.1297C>T (p.Gln433Ter)

Gene: CUX1 (cut like homeobox 1; plus strand). Cytogenetic location: 7q22.1.
Variant type: single nucleotide variant.
Coding change: c.1297C>T on transcript NM_181552.4 (MANE Select); coding-DNA position 1297, C replaced by T.
Protein change: p.Gln433Ter; replaces glutamine 433 with a stop codon.
Molecular consequence: nonsense. On other transcripts: intron variant (5).
Genome position (GRCh38, 1-based): chr7:102,196,708, C>T. VCF-style: chr7-102196708-C-T. GRCh37 (hg19) VCF-style: chr7-101839988-C-T.
Other names: c.1330C>T, p.Gln444Ter (NM_001202543.2); c.1255+1105C>T (NM_001913.5); c.1249+1105C>T (NM_181500.4); c.1117+1105C>T (NM_001202545.3); c.1207+1105C>T (NM_001202544.3); c.1138+1105C>T (NM_001202546.3); short protein forms Q444*, Q433*.
Identifiers: ClinVar variation 3270347 (VCV003270347.1).